The following is an entry in ClinVar:

ClinVar aggregate classification (germline): Uncertain significance (1 of 4 stars; one submission).

Submission:

Labcorp Genetics (formerly Invitae), Labcorp
Classification: Uncertain significance. Last evaluated: 2022-07-30. Review status: criteria provided, single submitter. Criteria: Invitae Variant Classification Sherloc (09022015). Collection method: clinical testing. Allele origin: germline.
Comment: In summary, the available evidence is currently insufficient to determine the role of this variant in disease. Therefore, it has been classified as a Variant of Uncertain Significance. Advanced modeling of protein sequence and biophysical properties (such as structural, functional, and spatial information, amino acid conservation, physicochemical variation, residue mobility, and thermodynamic stability) performed at Invitae indicates that this missense variant is expected to disrupt NSD1 protein function. This variant has not been reported in the literature in individuals affected with NSD1-related conditions. This variant is not present in population databases (gnomAD no frequency). This sequence change replaces asparagine, which is neutral and polar, with serine, which is neutral and polar, at codon 2059 of the NSD1 protein (p.Asn2059Ser).

NM_022455.5(NSD1):c.6176A>G (p.Asn2059Ser)

Gene: NSD1 (nuclear receptor binding SET domain protein 1; plus strand). Cytogenetic location: 5q35.3.
Variant type: single nucleotide variant.
Coding change: c.6176A>G on transcript NM_022455.5 (MANE Select); coding-DNA position 6176, A replaced by G.
Protein change: p.Asn2059Ser; replaces asparagine 2059 with serine.
Molecular consequence: missense variant.
Genome position (GRCh38, 1-based): chr5:177,288,843, A>G. VCF-style: chr5-177288843-A-G. GRCh37 (hg19) VCF-style: chr5-176715844-A-G.
Other names: c.5303A>G, p.Asn1768Ser (NM_001365684.2, NM_001409308.1, NM_172349.5); c.6176A>G, p.Asn2059Ser (NM_001409301.1, NM_001409302.1, NM_001409303.1); c.5756A>G, p.Asn1919Ser (NM_001409304.1); c.5423A>G, p.Asn1808Ser (NM_001409305.1); c.5414A>G, p.Asn1805Ser (NM_001409306.1, NM_001409307.1); short protein forms N1768S, N1790S, N1805S, N1808S, N1919S, N2059S.
Identifiers: ClinVar variation 1989809 (VCV001989809.4), dbSNP rs2480810777, ClinGen allele CA362317899.